The following is an entry in ClinVar:

ClinVar aggregate classification (germline): Uncertain significance (1 of 4 stars; one submission).

Allele frequency attached by ClinVar (database versions not stated): ExAC 0.00001; TOPMed 0.00002; gnomAD 0.00004 and 0.00005.
gnomAD v4.1: 12 of 1,588,314 alleles (0.00076%); highest among the groups gnomAD compares: Admixed American, 0.014%; no homozygotes.

Submission:

Labcorp Genetics (formerly Invitae), Labcorp
Classification: Uncertain significance. Last evaluated: 2021-11-08. Review status: criteria provided, single submitter. Criteria: Invitae Variant Classification Sherloc (09022015). Collection method: clinical testing. Allele origin: germline.
Comment: Algorithms developed to predict the effect of missense changes on protein structure and function (SIFT, PolyPhen-2, Align-GVGD) all suggest that this variant is likely to be tolerated. In summary, the available evidence is currently insufficient to determine the role of this variant in disease. Therefore, it has been classified as a Variant of Uncertain Significance. This variant has not been reported in the literature in individuals affected with OXR1-related conditions. This variant is not present in population databases (gnomAD no frequency). This sequence change replaces glutamic acid, which is acidic and polar, with glycine, which is neutral and non-polar, at codon 549 of the OXR1 protein (p.Glu549Gly).

NM_001198533.2(OXR1):c.1643A>G (p.Glu548Gly)

Gene: OXR1 (oxidation resistance 1; plus strand). Cytogenetic location: 8q23.1.
Variant type: single nucleotide variant.
Coding change: c.1643A>G on transcript NM_001198533.2 (MANE Select); coding-DNA position 1643, A replaced by G.
Protein change: p.Glu548Gly; replaces glutamic acid 548 with glycine.
Molecular consequence: missense variant.
Genome position (GRCh38, 1-based): chr8:106,710,640, A>G. VCF-style: chr8-106710640-A-G. GRCh37 (hg19) VCF-style: chr8-107722868-A-G.
Other names: c.1646A>G, p.Glu549Gly (NM_001198532.1); c.1643A>G, p.Glu548Gly (NM_018002.3); c.1622A>G, p.Glu541Gly (NM_181354.4); short protein forms E541G, E548G, E549G.
Identifiers: ClinVar variation 1419349 (VCV001419349.6), dbSNP rs747489329, ClinGen allele CA4840515.